The following is an entry in ClinVar:

ClinVar aggregate classification (germline): Uncertain significance (1 of 4 stars; one submission).

Submission:

Labcorp Genetics (formerly Invitae), Labcorp
Classification: Uncertain significance. Last evaluated: 2024-04-16. Review status: criteria provided, single submitter. Criteria: Invitae Variant Classification Sherloc (09022015). Collection method: clinical testing. Allele origin: germline.
Comment: This sequence change replaces aspartic acid, which is acidic and polar, with valine, which is neutral and non-polar, at codon 1013 of the TAF1 protein (p.Asp1013Val). This variant is not present in population databases (gnomAD no frequency). This variant has not been reported in the literature in individuals affected with TAF1-related conditions. ClinVar contains an entry for this variant (Variation ID: 1971392). An algorithm developed to predict the effect of missense changes on protein structure and function (PolyPhen-2) suggests that this variant is likely to be disruptive. In summary, the available evidence is currently insufficient to determine the role of this variant in disease. Therefore, it has been classified as a Variant of Uncertain Significance.

NM_004606.5(TAF1):c.2978A>T (p.Asp993Val)

Gene: TAF1 (TATA-box binding protein associated factor 1; plus strand). Cytogenetic location: Xq13.1.
Variant type: single nucleotide variant.
Coding change: c.2978A>T on transcript NM_004606.5 (MANE Select); coding-DNA position 2978, A replaced by T.
Protein change: p.Asp993Val; replaces aspartic acid 993 with valine.
Molecular consequence: missense variant. On other transcripts: non-coding transcript variant (9).
Genome position (GRCh38, 1-based): chrX:71,392,921, A>T. VCF-style: chrX-71392921-A-T. GRCh37 (hg19) VCF-style: chrX-70612771-A-T.
Other names: c.2978A>T, p.Asp993Val (NM_001286074.2); c.2915A>T, p.Asp972Val (NM_138923.4); short protein forms D993V, D972V.
Identifiers: ClinVar variation 1971392 (VCV001971392.5), dbSNP rs2520353560, ClinGen allele CA413525630.